The following is an entry in ClinVar:

NM_000075.4(CDK4):c.162T>A (p.Val54=)

Genes: CDK4 (cyclin dependent kinase 4; minus strand), LOC130008148 (ATAC-STARR-seq lymphoblastoid silent region 4588; plus strand). Cytogenetic location: 12q14.1.
Variant type: single nucleotide variant.
Coding change: c.162T>A on transcript NM_000075.4 (MANE Select); coding-DNA position 162, T replaced by A.
Protein change: p.Val54=; no amino-acid change (valine 54 retained).
Molecular consequence: synonymous variant.
Genome position (GRCh38, 1-based): chr12:57,751,556, A>T on the plus strand (T>A on the coding strand, the complement: CDK4 is on the minus strand). VCF-style: chr12-57751556-A-T. GRCh37 (hg19) VCF-style: chr12-58145339-A-T.
Identifiers: ClinVar variation 2005551 (VCV002005551.4), dbSNP rs2140388286, ClinGen allele CA480404850.
Genomic context (GRCh38, chr12:57,751,556, plus strand): 5'-TCACCGGACAACATTGGGATGCTCAAAAGCCTCCAGTCGCCTCAGTAAAGCCACCTCACG[A>T]ACTGTGCTGATGGGAAGGCCTCCTCCACCTCCTCCTCCATTGGGGACTCTCACACTCTTG-3'
Protein context (NP_000066.1, residues 44-64): GGGGGLPIST[Val54=]REVALLRRLE

ClinVar aggregate classification (germline): Uncertain significance (1 of 4 stars; one submission).

Conditions:
Familial melanoma. Also called: Hereditary melanoma; Hereditary cutaneous melanoma. Identifiers: Orphanet 618, MedGen C1512419, MONDO:0018961.

Submission:

Labcorp Genetics (formerly Invitae), Labcorp
Classification: Uncertain significance for Familial melanoma. Last evaluated: 2022-06-13. Review status: criteria provided, single submitter. Criteria: Invitae Variant Classification Sherloc (09022015). Collection method: clinical testing. Allele origin: germline.
Comment: In summary, the available evidence is currently insufficient to determine the role of this variant in disease. Therefore, it has been classified as a Variant of Uncertain Significance. Algorithms developed to predict the effect of sequence changes on RNA splicing suggest that this variant may create or strengthen a splice site. This variant has not been reported in the literature in individuals affected with CDK4-related conditions. This variant is not present in population databases (gnomAD no frequency). This sequence change affects codon 54 of the CDK4 mRNA. It is a 'silent' change, meaning that it does not change the encoded amino acid sequence of the CDK4 protein.